The following is an entry in ClinVar:

ClinVar aggregate classification (germline): Uncertain significance (1 of 4 stars; one submission).

Submission:

Labcorp Genetics (formerly Invitae), Labcorp
Classification: Uncertain significance. Last evaluated: 2022-02-02. Review status: criteria provided, single submitter. Criteria: Invitae Variant Classification Sherloc (09022015). Collection method: clinical testing. Allele origin: germline.
Comment: In summary, the available evidence is currently insufficient to determine the role of this variant in disease. Therefore, it has been classified as a Variant of Uncertain Significance. Algorithms developed to predict the effect of missense changes on protein structure and function output the following: SIFT: "Tolerated"; PolyPhen-2: "Benign"; Align-GVGD: "Class C0". The glutamic acid amino acid residue is found in multiple mammalian species, which suggests that this missense change does not adversely affect protein function. This variant has not been reported in the literature in individuals affected with EIF2AK3-related conditions. This variant is not present in population databases (gnomAD no frequency). This sequence change replaces aspartic acid, which is acidic and polar, with glutamic acid, which is acidic and polar, at codon 365 of the EIF2AK3 protein (p.Asp365Glu).

NM_004836.7(EIF2AK3):c.1095T>A (p.Asp365Glu)

Gene: EIF2AK3 (eukaryotic translation initiation factor 2 alpha kinase 3; minus strand). Cytogenetic location: 2p11.2.
Variant type: single nucleotide variant.
Coding change: c.1095T>A on transcript NM_004836.7 (MANE Select); coding-DNA position 1095, T replaced by A.
Protein change: p.Asp365Glu; replaces aspartic acid 365 with glutamic acid.
Molecular consequence: missense variant.
Genome position (GRCh38, 1-based): chr2:88,590,513, A>T on the plus strand (T>A on the coding strand, the complement: EIF2AK3 is on the minus strand). VCF-style: chr2-88590513-A-T. GRCh37 (hg19) VCF-style: chr2-88890031-A-T.
Other names: c.642T>A, p.Asp214Glu (NM_001313915.2); short protein forms D214E, D365E.
Identifiers: ClinVar variation 2092108 (VCV002092108.4), dbSNP rs112932741, ClinGen allele CA347595502.